The following is an entry in ClinVar:

NM_001199107.2(TBC1D24):c.965+11G>A

Gene: TBC1D24 (TBC1 domain family member 24; plus strand). Cytogenetic location: 16p13.3.
Variant type: single nucleotide variant.
Coding change: c.965+11G>A on transcript NM_001199107.2 (MANE Select); 11 bases into the intron after coding-DNA position 965, G replaced by A.
Molecular consequence: intron variant.
Genome position (GRCh38, 1-based): chr16:2,497,124, G>A. VCF-style: chr16-2497124-G-A. GRCh37 (hg19) VCF-style: chr16-2547125-G-A.
Other names: c.965+11G>A (NM_020705.3).
Identifiers: ClinVar variation 207489 (VCV000207489.13), dbSNP rs568663296, ClinGen allele CA319001.

ClinVar aggregate classification (germline): Benign/Likely benign. Review status: criteria provided, multiple submitters, no conflicts (2 of 4 stars). 4 submissions from 4 submitters: Benign (2); Likely benign (2). Last evaluated 2026-01-20.

Conditions:
Autosomal dominant nonsyndromic hearing loss 65. Also called: Deafness, autosomal dominant 65; TBC1D24-Related Autosomal Dominant Nonsyndromic Hearing Loss (DFNA). Identifiers: Orphanet 90635, MedGen C3892048, MONDO:0014470, OMIM 616044.
Developmental and epileptic encephalopathy, 1 (DEE1). Also called: Epileptic encephalopathy, early infantile, 1; X-linked infantile spasms; West's syndrome; Tonic spasms with clustering, arrest of psychomotor development and hypsarrhythmia on EEG; X-Linked Infantile Spasm Syndrome; OHTAHARA SYNDROME, X-LINKED. Identifiers: MedGen C3463992, MONDO:0010632, OMIM 308350. Disease mechanism: loss of function.
Familial infantile myoclonic epilepsy (FIME). Also called: Epilepsy, Myoclonic, Infantile; TBC1D24-Related Familial Infantile Myoclonic Epilepsy (FIME). Identifiers: Orphanet 352582, MedGen C0917800, MONDO:0011506, OMIM 605021.

Allele frequency attached by ClinVar (database versions not stated): gnomAD 0.00002 and 0.00025; TOPMed 0.00009; 1000 Genomes Project 30x 0.00156; 1000 Genomes Project 0.00180.
gnomAD v4.1: 580 of 1,598,970 alleles (0.036%); highest among the groups gnomAD compares: South Asian, 0.6%; 9 homozygotes.

Submissions (4):

Labcorp Genetics (formerly Invitae), Labcorp
Classification: Benign for Developmental and epileptic encephalopathy, 1; Autosomal dominant nonsyndromic hearing loss 65. Last evaluated: 2026-01-20. Review status: criteria provided, single submitter. Criteria: Invitae Variant Classification Sherloc (09022015). Collection method: clinical testing. Allele origin: germline.

Blueprint Genetics
Classification: Likely benign. Last evaluated: 2024-11-18. Review status: criteria provided, single submitter. Criteria: ACMG Guidelines, 2015. Collection method: clinical testing. Allele origin: germline.

Illumina Laboratory Services, Illumina
Classification: Likely benign for Familial infantile myoclonic epilepsy. Last evaluated: 2018-01-12. Review status: criteria provided, single submitter. Criteria: ICSL Variant Classification Criteria 13 December 2019. Collection method: clinical testing. Allele origin: germline.
Comment: This variant was observed in the ICSL laboratory as part of a predisposition screen in an ostensibly healthy population. It had not been previously curated by ICSL or reported in the Human Gene Mutation Database (HGMD: prior to June 1st, 2018), and was therefore a candidate for classification through an automated scoring system. Utilizing variant allele frequency, disease prevalence and penetrance estimates, and inheritance mode, an automated score was calculated to assess if this variant is too frequent to cause the disease. Based on the score and internal cut-off values, a variant classified as likely benign is not then subjected to further curation. The score for this variant resulted in a classification of likely benign for this disease.

GeneDx
Classification: Benign. Last evaluated: 2014-08-14. Review status: criteria provided, single submitter. Criteria: GeneDx Variant Classification (06012015). Collection method: clinical testing. Allele origin: germline. Affected: yes.
Comment: This variant is considered likely benign or benign based on one or more of the following criteria: it is a conservative change, it occurs at a poorly conserved position in the protein, it is predicted to be benign by multiple in silico algorithms, and/or has population frequency not consistent with disease.